The following is an entry in ClinVar:

NM_001991.5(EZH1):c.899G>A (p.Arg300Gln)

Gene: EZH1 (enhancer of zeste 1 polycomb repressive complex 2 subunit; minus strand). Cytogenetic location: 17q21.2.
Variant type: single nucleotide variant.
Coding change: c.899G>A on transcript NM_001991.5 (MANE Select); coding-DNA position 899, G replaced by A.
Protein change: p.Arg300Gln; replaces arginine 300 with glutamine.
Molecular consequence: missense variant.
Genome position (GRCh38, 1-based): chr17:42,718,486, C>T on the plus strand (G>A on the coding strand, the complement: EZH1 is on the minus strand). VCF-style: chr17-42718486-C-T. GRCh37 (hg19) VCF-style: chr17-40870504-C-T.
Other names: c.917G>A, p.Arg306Gln (NM_001321079.2); c.872G>A, p.Arg291Gln (NM_001321081.2); c.779G>A, p.Arg260Gln (NM_001321082.2); short protein forms R260Q, R291Q, R300Q, R306Q.
Identifiers: ClinVar variation 2662952 (VCV002662952.1), dbSNP rs2543870843, ClinGen allele CA399644068.

ClinVar aggregate classification (germline): Uncertain significance (1 of 4 stars; one submission).

Allele frequency attached by ClinVar (database versions not stated): gnomAD exomes below 0.00001.
gnomAD v4.1: 2 of 1,613,984 alleles (0.00012%); highest among the groups gnomAD compares: Non-Finnish European, 0.00017%; no homozygotes.

Submission:

GeneDx
Classification: Uncertain significance. Last evaluated: 2023-05-10. Review status: criteria provided, single submitter. Criteria: GeneDx Variant Classification Process June 2021. Collection method: clinical testing. Allele origin: germline. Affected: yes.
Comment: Not observed at significant frequency in large population cohorts (gnomAD); In silico analysis supports that this missense variant has a deleterious effect on protein structure/function; Has not been previously published as pathogenic or benign to our knowledge